The following is an entry in ClinVar:

NM_020461.4(TUBGCP6):c.2981C>G (p.Ala994Gly)

Gene: TUBGCP6 (tubulin gamma complex component 6; minus strand). Cytogenetic location: 22q13.33.
Variant type: single nucleotide variant.
Coding change: c.2981C>G on transcript NM_020461.4 (MANE Select); coding-DNA position 2981, C replaced by G.
Protein change: p.Ala994Gly; replaces alanine 994 with glycine.
Molecular consequence: missense variant.
Genome position (GRCh38, 1-based): chr22:50,221,378, G>C on the plus strand (C>G on the coding strand, the complement: TUBGCP6 is on the minus strand). VCF-style: chr22-50221378-G-C. GRCh37 (hg19) VCF-style: chr22-50659807-G-C.
Other names: short protein forms A994G.
Identifiers: ClinVar variation 2049359 (VCV002049359.4), dbSNP rs369763317, ClinGen allele CA412185634.
Genomic context (GRCh38, chr22:50,221,378, plus strand): 5'-AGAGCAGCACGCCTGGGTGGGTGTGAGGGGAGCAGAGTCTCCCGCGAGGCGGAGCCACAG[G>C]CATCCATCTTCCCACAACTGTCCTCCCACAGCTGTAGCCCTGAGCTGCCCAAGCTGCACT-3'
Protein context (NP_065194.3, residues 984-1004): LWEDSCGKMD[Ala994Gly]CGSASRETLL

ClinVar aggregate classification (germline): Uncertain significance (1 of 4 stars; one submission).

Submission:

Labcorp Genetics (formerly Invitae), Labcorp
Classification: Uncertain significance. Last evaluated: 2021-12-19. Review status: criteria provided, single submitter. Criteria: Invitae Variant Classification Sherloc (09022015). Collection method: clinical testing. Allele origin: germline.
Comment: In summary, the available evidence is currently insufficient to determine the role of this variant in disease. Therefore, it has been classified as a Variant of Uncertain Significance. Algorithms developed to predict the effect of missense changes on protein structure and function are either unavailable or do not agree on the potential impact of this missense change (SIFT: "Deleterious"; PolyPhen-2: "Benign"; Align-GVGD: "Class C0"). This variant has not been reported in the literature in individuals affected with TUBGCP6-related conditions. This variant is not present in population databases (gnomAD no frequency). This sequence change replaces alanine, which is neutral and non-polar, with glycine, which is neutral and non-polar, at codon 994 of the TUBGCP6 protein (p.Ala994Gly).